The following is an entry in ClinVar:

ClinVar aggregate classification (germline): Uncertain significance (1 of 4 stars; one submission).

Conditions:
Cohen syndrome (COH1). Also called: PEPPER SYNDROME; Cutis verticis gyrata, retinitis pigmentosa, and sensorineural deafness. Identifiers: Orphanet 193, MedGen C0265223, MONDO:0008999, OMIM 216550.

gnomAD v4.1: 11 of 1,613,338 alleles (0.00068%); highest among the groups gnomAD compares: Non-Finnish European, 0.00085%; no homozygotes.

Submission:

Labcorp Genetics (formerly Invitae), Labcorp
Classification: Uncertain significance for Cohen syndrome. Last evaluated: 2022-10-25. Review status: criteria provided, single submitter. Criteria: Invitae Variant Classification Sherloc (09022015). Collection method: clinical testing. Allele origin: germline.
Comment: In summary, the available evidence is currently insufficient to determine the role of this variant in disease. Therefore, it has been classified as a Variant of Uncertain Significance. Advanced modeling of protein sequence and biophysical properties (such as structural, functional, and spatial information, amino acid conservation, physicochemical variation, residue mobility, and thermodynamic stability) performed at Invitae indicates that this missense variant is expected to disrupt VPS13B protein function. This sequence change replaces glycine, which is neutral and non-polar, with aspartic acid, which is acidic and polar, at codon 490 of the VPS13B protein (p.Gly490Asp). This variant is not present in population databases (gnomAD no frequency). This variant has not been reported in the literature in individuals affected with VPS13B-related conditions. ClinVar contains an entry for this variant (Variation ID: 1510570).

NM_152564.5(VPS13B):c.1469G>A (p.Gly490Asp)

Gene: VPS13B (vacuolar protein sorting 13 homolog B; plus strand). Cytogenetic location: 8q22.2.
Variant type: single nucleotide variant.
Coding change: c.1469G>A on transcript NM_152564.5 (MANE Select); coding-DNA position 1469, G replaced by A.
Protein change: p.Gly490Asp; replaces glycine 490 with aspartic acid.
Molecular consequence: missense variant.
Genome position (GRCh38, 1-based): chr8:99,135,639, G>A. VCF-style: chr8-99135639-G-A. GRCh37 (hg19) VCF-style: chr8-100147867-G-A.
Other names: c.1469G>A, p.Gly490Asp (NM_015243.3, NM_017890.5); short protein forms G490D.
Identifiers: ClinVar variation 1510570 (VCV001510570.8), dbSNP rs761218548, ClinGen allele CA371863192.